The following is an entry in ClinVar:

NM_006302.3(MOGS):c.715G>A (p.Asp239Asn)

Gene: MOGS (mannosyl-oligosaccharide glucosidase; minus strand). Cytogenetic location: 2p13.1.
Variant type: single nucleotide variant.
Coding change: c.715G>A on transcript NM_006302.3 (MANE Select); coding-DNA position 715, G replaced by A.
Protein change: p.Asp239Asn; replaces aspartic acid 239 with asparagine.
Molecular consequence: missense variant.
Genome position (GRCh38, 1-based): chr2:74,463,251, C>T on the plus strand (G>A on the coding strand, the complement: MOGS is on the minus strand). VCF-style: chr2-74463251-C-T. GRCh37 (hg19) VCF-style: chr2-74690378-C-T.
Other names: c.397G>A, p.Asp133Asn (NM_001146158.2); c.715G>A, p.Asp239Asn (LRG_1226t1); short protein forms D239N, D133N.
Identifiers: ClinVar variation 95362 (VCV000095362.16), dbSNP rs1063588, ClinGen allele CA148475.
Genomic context (GRCh38, chr2:74,463,251, plus strand): 5'-TGCCATACTTGGGGGCTGTATCCCCTGGACTGGTTGGTGGCAAAAGTGTAAAGCGGAAGT[C>T]ACCAAGTTCACTGGTGTGCCCACTGATAAACTTCAACTGCCCCTTGGCCCCAACCTCTGG-3'
Protein context (NP_006293.2, residues 229-249): FISGHTSELG[Asp239Asn]FRFTLLPPTS

ClinVar aggregate classification (germline): Benign/Likely benign. Review status: criteria provided, multiple submitters, no conflicts (2 of 4 stars). 6 submissions from 6 submitters: Benign (5); Likely benign (1). Last evaluated 2026-02-04.

Conditions:
MOGS-congenital disorder of glycosylation. Also called: CDG 2B; CDG IIb; MOGS-CDG; GLUCOSIDASE I DEFICIENCY. Identifiers: Orphanet 79330, MedGen C1853736, MONDO:0011629, OMIM 606056.

Allele frequency attached by ClinVar (database versions not stated): gnomAD exomes 0.18212 and 0.25939; 1000 Genomes Project 0.51877; ESP Exome Variant Server 0.30896; gnomAD 0.33895 and 0.33948; TOPMed 0.37082; ExAC 0.26694; 1000 Genomes Project 30x 0.51624.
gnomAD v4.1: 320,491 of 1,613,850 alleles (20%); highest among the groups gnomAD compares: East Asian, 83%; 55,428 homozygotes.

Submissions (6):

Labcorp Genetics (formerly Invitae), Labcorp
Classification: Benign for MOGS-congenital disorder of glycosylation. Last evaluated: 2026-02-04. Review status: criteria provided, single submitter. Criteria: Invitae Variant Classification Sherloc (09022015). Collection method: clinical testing. Allele origin: germline.

Women's Health and Genetics/Laboratory Corporation of America, LabCorp
Classification: Likely benign. Last evaluated: 2026-01-21. Review status: criteria provided, single submitter. Criteria: LabCorp Variant Classification Summary - May 2015. Collection method: clinical testing. Allele origin: germline.

Mayo Clinic Laboratories, Mayo Clinic
Classification: Benign. Last evaluated: 2022-09-06. Review status: criteria provided, single submitter. Criteria: ACMG Guidelines, 2015. Collection method: clinical testing. Allele origin: germline. Observed: 37 variant alleles.

GeneDx
Classification: Benign. Last evaluated: 2015-12-02. Review status: criteria provided, single submitter. Criteria: GeneDx Variant Classification (06012015). Collection method: clinical testing. Allele origin: germline. Affected: yes.
Comment: This variant is considered likely benign or benign based on one or more of the following criteria: it is a conservative change, it occurs at a poorly conserved position in the protein, it is predicted to be benign by multiple in silico algorithms, and/or has population frequency not consistent with disease.

Eurofins Ntd Llc (ga)
Classification: Benign. Last evaluated: 2012-07-26. Review status: criteria provided, single submitter. Criteria: EGL Classification Definitions 2015. Collection method: clinical testing. Allele origin: germline. Observed: 20 variant alleles, 15 heterozygotes, 5 homozygotes.

Breakthrough Genomics
Classification: Benign. Review status: criteria provided, single submitter. Criteria: ACMG Guidelines, 2015. Collection method: not provided. Allele origin: germline. Inheritance: Autosomal recessive inheritance. Affected: yes.